The following is an entry in ClinVar:

ClinVar aggregate classification (germline): Uncertain significance. Review status: criteria provided, multiple submitters, no conflicts (2 of 4 stars). 2 submissions from 2 submitters: Uncertain significance (2). Last evaluated 2025-08-02.

Conditions:
Inborn genetic diseases. Identifiers: MedGen C0950123, MeSH D030342.

Allele frequency attached by ClinVar (database versions not stated): ESP Exome Variant Server 0.00008.
gnomAD v4.1: 3 of 1,614,030 alleles (0.00019%); highest among the groups gnomAD compares: Non-Finnish European, 0.00025%; no homozygotes.

Submissions (2):

Ambry Genetics
Classification: Uncertain significance for Inborn genetic diseases. Last evaluated: 2025-08-02. Review status: criteria provided, single submitter. Criteria: Ambry Variant Classification Scheme 2023. Collection method: clinical testing. Allele origin: germline.

Labcorp Genetics (formerly Invitae), Labcorp
Classification: Uncertain significance. Last evaluated: 2024-03-20. Review status: criteria provided, single submitter. Criteria: Invitae Variant Classification Sherloc (09022015). Collection method: clinical testing. Allele origin: germline.
Comment: This sequence change replaces glycine, which is neutral and non-polar, with aspartic acid, which is acidic and polar, at codon 658 of the ABCC8 protein (p.Gly658Asp). This variant is not present in population databases (gnomAD no frequency). This variant has not been reported in the literature in individuals affected with ABCC8-related conditions. Algorithms developed to predict the effect of missense changes on protein structure and function output the following: SIFT: "Not Available"; PolyPhen-2: "Benign"; Align-GVGD: "Not Available". The aspartic acid amino acid residue is found in multiple mammalian species, which suggests that this missense change does not adversely affect protein function. In summary, the available evidence is currently insufficient to determine the role of this variant in disease. Therefore, it has been classified as a Variant of Uncertain Significance.

NM_000352.6(ABCC8):c.1973G>A (p.Gly658Asp)

Gene: ABCC8 (ATP binding cassette subfamily C member 8; minus strand). Cytogenetic location: 11p15.1.
Variant type: single nucleotide variant.
Coding change: c.1973G>A on transcript NM_000352.6 (MANE Select); coding-DNA position 1973, G replaced by A.
Protein change: p.Gly658Asp; replaces glycine 658 with aspartic acid.
Molecular consequence: missense variant. On other transcripts: non-coding transcript variant (1).
Genome position (GRCh38, 1-based): chr11:17,428,356, C>T on the plus strand (G>A on the coding strand, the complement: ABCC8 is on the minus strand). VCF-style: chr11-17428356-C-T. GRCh37 (hg19) VCF-style: chr11-17449903-C-T.
Other names: c.1973G>A (NM_000352.3); c.1973G>A, p.Gly658Asp (NM_001287174.3); c.2039G>A, p.Gly680Asp (NM_001351295.2); c.1970G>A, p.Gly657Asp (NM_001351296.2, NM_001351297.2); short protein forms G680D, G657D, G658D.
Identifiers: ClinVar variation 2902177 (VCV002902177.4), dbSNP rs149400972, ClinGen allele CA218441445.
Genomic context (GRCh38, chr11:17,428,356, plus strand): 5'-CAGCAGTTGTCAGCATCGCCATCTGCACTGGGGACCAGGCTCTGCAGTGGGCCGGTGAGG[C>T]CCCGACAATCCTCCCGGGCTGGACGCTTGCGGTTCACAACCCTGAGGGGCTGGGGGTGGT-3'
Protein context (NP_000343.2, residues 648-668): RKRPAREDCR[Gly658Asp]LTGPLQSLVP